The following is an entry in ClinVar:

ClinVar aggregate classification (germline): Uncertain significance (1 of 4 stars; one submission).

Conditions:
Cardiovascular phenotype. Identifiers: MedGen CN230736.

gnomAD v4.1: 4 of 1,604,208 alleles (0.00025%); highest among the groups gnomAD compares: African/African-American, 0.0027%; no homozygotes.

Submission:

Ambry Genetics
Classification: Uncertain significance for Cardiovascular phenotype. Last evaluated: 2025-05-26. Review status: criteria provided, single submitter. Criteria: Ambry Variant Classification Scheme 2023. Collection method: clinical testing. Allele origin: germline.
Comment: The p.I343V variant (also known as c.1027A>G), located in coding exon 12 of the TECRL gene, results from an A to G substitution at nucleotide position 1027. The isoleucine at codon 343 is replaced by valine, an amino acid with highly similar properties. This amino acid position is conserved. In addition, this alteration is predicted to be tolerated by in silico analysis. Based on the available evidence, the clinical significance of this variant remains unclear.

NM_001010874.5(TECRL):c.1027A>G (p.Ile343Val)

Gene: TECRL (trans-2,3-enoyl-CoA reductase like; minus strand). Cytogenetic location: 4q13.1.
Variant type: single nucleotide variant.
Coding change: c.1027A>G on transcript NM_001010874.5 (MANE Select); coding-DNA position 1027, A replaced by G.
Protein change: p.Ile343Val; replaces isoleucine 343 with valine.
Molecular consequence: missense variant. On other transcripts: intron variant (1).
Genome position (GRCh38, 1-based): chr4:64,280,137, T>C on the plus strand (A>G on the coding strand, the complement: TECRL is on the minus strand). VCF-style: chr4-64280137-T-C. GRCh37 (hg19) VCF-style: chr4-65145855-T-C.
Other names: c.964+904A>G (NM_001363796.1); short protein forms I343V.
Identifiers: ClinVar variation 3966923 (VCV003966923.1).